The following is an entry in ClinVar:

NM_001164462.2(MUC12):c.723A>C (p.Thr241=)

Gene: MUC12 (mucin 12, cell surface associated; plus strand). Cytogenetic location: 7q22.1.
Variant type: single nucleotide variant.
Coding change: c.723A>C on transcript NM_001164462.2 (MANE Select); coding-DNA position 723, A replaced by C.
Protein change: p.Thr241=; no amino-acid change (threonine 241 retained).
Molecular consequence: synonymous variant.
Genome position (GRCh38, 1-based): chr7:100,991,286, A>C. VCF-style: chr7-100991286-A-C. GRCh37 (hg19) VCF-style: chr7-100634567-A-C.
Identifiers: ClinVar variation 2657797 (VCV002657797.24), dbSNP rs192022887, ClinGen allele CA4398899.

ClinVar aggregate classification (germline): Likely benign (1 of 4 stars; one submission).

Allele frequency attached by ClinVar (database versions not stated): gnomAD exomes 0.00001; ExAC 0.00005; gnomAD 0.00005; 1000 Genomes Project 30x 0.00016; 1000 Genomes Project 0.00020.

Submission:

CeGaT Center for Human Genetics Tuebingen
Classification: Likely benign. Last evaluated: 2023-01-01. Review status: criteria provided, single submitter. Criteria: CeGaT Center For Human Genetics Tuebingen Variant Classification Criteria Version 2. Collection method: clinical testing. Allele origin: germline. Affected: yes. Observed: 1 variant allele.
Comment: MUC12: BP4, BP7